The following is an entry in ClinVar:

ClinVar aggregate classification (germline): Uncertain significance (1 of 4 stars; one submission).

Conditions:
Hereditary cancer-predisposing syndrome. Also called: Tumor predisposition; Hereditary Cancer Syndrome; Hereditary neoplastic syndrome; Neoplastic Syndromes, Hereditary. Identifiers: Orphanet 140162, MedGen C0027672, MeSH D009386, MONDO:0015356.

Submission:

Ambry Genetics
Classification: Uncertain significance for Hereditary cancer-predisposing syndrome. Last evaluated: 2023-09-14. Review status: criteria provided, single submitter. Criteria: Ambry Variant Classification Scheme 2023. Collection method: clinical testing. Allele origin: germline.
Comment: The p.A737G variant (also known as c.2210C>G), located in coding exon 14 of the SMARCA4 gene, results from a C to G substitution at nucleotide position 2210. The alanine at codon 737 is replaced by glycine, an amino acid with similar properties. This amino acid position is highly conserved in available vertebrate species. In addition, this alteration is predicted to be deleterious by in silico analysis. Missense and in-frame variants in SMARCA4 are known to cause neurodevelopmental disorders; however, such associations with rhabdoid tumor predisposition syndrome including small cell carcinoma of the ovary-hypercalcemic type (SCCOHT) are exceedingly rare (Kosho T et al. Am J Med Genet C Semin Med Genet. 2014 Sep;166C(3):262-75; Jelinic P et al. Nat Genet. 2014 May;46(5):424-6). Since supporting evidence is limited at this time, the clinical significance of this alteration remains unclear.

NM_003072.5(SMARCA4):c.2210C>G (p.Ala737Gly)

Gene: SMARCA4 (SWI/SNF related BAF chromatin remodeling complex subunit ATPase 4; plus strand). Cytogenetic location: 19p13.2.
Variant type: single nucleotide variant.
Coding change: c.2210C>G on transcript NM_003072.5 (MANE Select); coding-DNA position 2210, C replaced by G.
Protein change: p.Ala737Gly; replaces alanine 737 with glycine.
Molecular consequence: missense variant. On other transcripts: non-coding transcript variant (1).
Genome position (GRCh38, 1-based): chr19:11,010,467, C>G. VCF-style: chr19-11010467-C-G. GRCh37 (hg19) VCF-style: chr19-11121143-C-G.
Other names: c.2210C>G, p.Ala737Gly (NM_001128844.3, NM_001128845.2, NM_001128846.2 and 6 more transcripts); short protein forms A737G.
Identifiers: ClinVar variation 2587153 (VCV002587153.2), dbSNP rs2146236930, ClinGen allele CA404052840.